The following is an entry in ClinVar:

ClinVar aggregate classification (germline): Uncertain significance. Review status: criteria provided, multiple submitters, no conflicts (2 of 4 stars). 2 submissions from 2 submitters: Uncertain significance (2). Last evaluated 2024-10-18.

Conditions:
Myopathy, proximal, and ophthalmoplegia (CMYO6). Also called: INCLUSION BODY MYOPATHY 3, AUTOSOMAL DOMINANT; MYOPATHY WITH CONGENITAL JOINT CONTRACTURES, OPHTHALMOPLEGIA, AND RIMMED VACUOLES; CONGENITAL MYOPATHY 6 WITH OPHTHALMOPLEGIA. Identifiers: Orphanet 363677, Orphanet 79091, MedGen C1854106, MONDO:0011577, OMIM 605637.

Allele frequency attached by ClinVar (database versions not stated): gnomAD exomes below 0.00001.
gnomAD v4.1: 3 of 1,614,014 alleles (0.00019%); highest among the groups gnomAD compares: South Asian, 0.0033%; no homozygotes.

Submissions (2):

Labcorp Genetics (formerly Invitae), Labcorp
Classification: Uncertain significance for Myopathy, proximal, and ophthalmoplegia. Last evaluated: 2024-10-18. Review status: criteria provided, single submitter. Criteria: Invitae Variant Classification Sherloc (09022015). Collection method: clinical testing. Allele origin: germline.
Comment: This sequence change replaces serine, which is neutral and polar, with phenylalanine, which is neutral and non-polar, at codon 1071 of the MYH2 protein (p.Ser1071Phe). This variant is not present in population databases (gnomAD no frequency). This variant has not been reported in the literature in individuals affected with MYH2-related conditions. ClinVar contains an entry for this variant (Variation ID: 1428907). Invitae Evidence Modeling of protein sequence and biophysical properties (such as structural, functional, and spatial information, amino acid conservation, physicochemical variation, residue mobility, and thermodynamic stability) indicates that this missense variant is expected to disrupt MYH2 protein function with a positive predictive value of 80%. In summary, the available evidence is currently insufficient to determine the role of this variant in disease. Therefore, it has been classified as a Variant of Uncertain Significance.

GeneDx
Classification: Uncertain significance. Last evaluated: 2023-05-17. Review status: criteria provided, single submitter. Criteria: GeneDx Variant Classification Process June 2021. Collection method: clinical testing. Allele origin: germline. Affected: yes.
Comment: Not observed at significant frequency in large population cohorts (gnomAD); In silico analysis supports that this missense variant has a deleterious effect on protein structure/function; Has not been previously published as pathogenic or benign to our knowledge

NM_017534.6(MYH2):c.3212C>T (p.Ser1071Phe)

Genes: MYH2 (myosin heavy chain 2; minus strand), MYHAS (myosin heavy chain gene cluster antisense RNA; plus strand). Cytogenetic location: 17p13.1.
Variant type: single nucleotide variant.
Coding change: c.3212C>T on transcript NM_017534.6 (MANE Select); coding-DNA position 3212, C replaced by T.
Protein change: p.Ser1071Phe; replaces serine 1071 with phenylalanine.
Molecular consequence: missense variant.
Genome position (GRCh38, 1-based): chr17:10,529,387, G>A on the plus strand (C>T on the coding strand, the complement: MYH2 is on the minus strand). VCF-style: chr17-10529387-G-A. GRCh37 (hg19) VCF-style: chr17-10432704-G-A.
Other names: c.3212C>T, p.Ser1071Phe (NM_001100112.2); c.3212C>T (NM_017534.5); short protein forms S1071F.
Identifiers: ClinVar variation 1428907 (VCV001428907.7), dbSNP rs2142299853, ClinGen allele CA398138301.
Genomic context (GRCh38, chr17:10,529,387, plus strand): 5'-CTTACTTACTTTTTGAGCTTTTCATCAAGTTGCTGTTTCTCATTTTCAATGTCCATTATG[G>A]ATTCTTGGGCCAACTTCAAGTCACCCTCAAGTTTCCTCTTAGCCCTTTCTAGGTCCATGC-3'
Protein context (NP_060004.3, residues 1061-1081): LEGDLKLAQE[Ser1071Phe]IMDIENEKQQ